The following is an entry in ClinVar:

NM_014806.5(RUSC2):c.2815G>A (p.Ala939Thr)

Gene: RUSC2 (RUN and SH3 domain containing 2; plus strand). Cytogenetic location: 9p13.3.
Variant type: single nucleotide variant.
Coding change: c.2815G>A on transcript NM_014806.5 (MANE Select); coding-DNA position 2815, G replaced by A.
Protein change: p.Ala939Thr; replaces alanine 939 with threonine.
Molecular consequence: missense variant. On other transcripts: non-coding transcript variant (1).
Genome position (GRCh38, 1-based): chr9:35,556,110, G>A. VCF-style: chr9-35556110-G-A. GRCh37 (hg19) VCF-style: chr9-35556107-G-A.
Other names: c.2815G>A, p.Ala939Thr (NM_001135999.2); c.181G>A, p.Ala61Thr (NM_001330740.2); short protein forms A61T, A939T.
Identifiers: ClinVar variation 1432227 (VCV001432227.6), dbSNP rs1449042052, ClinGen allele CA373345137.

ClinVar aggregate classification (germline): Uncertain significance (1 of 4 stars; one submission).

Allele frequency attached by ClinVar (database versions not stated): gnomAD exomes below 0.00001.
gnomAD v4.1: 1 of 1,614,186 alleles (0.000062%); highest among the groups gnomAD compares: South Asian, 0.0011%; no homozygotes.

Submission:

Labcorp Genetics (formerly Invitae), Labcorp
Classification: Uncertain significance. Last evaluated: 2022-03-15. Review status: criteria provided, single submitter. Criteria: Invitae Variant Classification Sherloc (09022015). Collection method: clinical testing. Allele origin: germline.
Comment: This sequence change replaces alanine, which is neutral and non-polar, with threonine, which is neutral and polar, at codon 939 of the RUSC2 protein (p.Ala939Thr). This variant is present in population databases (no rsID available, gnomAD 0.003%). This variant has not been reported in the literature in individuals affected with RUSC2-related conditions. Algorithms developed to predict the effect of missense changes on protein structure and function output the following: SIFT: "Tolerated"; PolyPhen-2: "Benign"; Align-GVGD: "Class C0". The threonine amino acid residue is found in multiple mammalian species, which suggests that this missense change does not adversely affect protein function. In summary, the available evidence is currently insufficient to determine the role of this variant in disease. Therefore, it has been classified as a Variant of Uncertain Significance.